The following is an entry in ClinVar:

ClinVar aggregate classification (germline): Uncertain significance. Review status: criteria provided, multiple submitters, no conflicts (2 of 4 stars). 5 submissions from 5 submitters: Uncertain significance (4). 1 of the submissions does not count toward it. Last evaluated 2025-01-15.

Conditions:
SPTA1-related disorder. Also called: SPTA1-related condition; SPTA1-related disorders.
Pyropoikilocytosis, hereditary. Also called: Pyropoikilocytosis. Identifiers: MedGen C0520739, MONDO:0009948, OMIM 266140, HP:0004839. Disease mechanism: loss of function.

Allele frequency attached by ClinVar (database versions not stated): gnomAD 0.00001 and 0.00002; TOPMed 0.00001; gnomAD exomes 0.00004.
gnomAD v4.1: 62 of 1,613,548 alleles (0.0038%); highest among the groups gnomAD compares: South Asian, 0.015%; no homozygotes.

Submissions (5):

PreventionGenetics, part of Exact Sciences
Classification: Uncertain significance for SPTA1-related condition. Last evaluated: 2025-01-15. Review status: criteria provided, single submitter. Criteria: ACMG Guidelines, 2015. Collection method: clinical testing. Allele origin: germline.
Comment: The SPTA1 c.5029G>A variant is predicted to result in the amino acid substitution p.Gly1677Arg. This variant was reported in the compound heterozygous state in individuals with pyropoikilocytosis (Russo et al. 2018. PubMed ID: 29396846; Fortugno et al. 2020. PubMed ID: 33136529; Andolfo et al. 2021. PubMed ID: 34201899; Gorukmez et al. 2023. PubMed ID: 36964972). This variant is reported in 0.013% of alleles in individuals of South Asian descent in gnomAD. At this time, the clinical significance of this variant is uncertain due to the absence of conclusive functional and genetic evidence.

Labcorp Genetics (formerly Invitae), Labcorp
Classification: Uncertain significance. Last evaluated: 2024-06-06. Review status: criteria provided, single submitter. Criteria: Invitae Variant Classification Sherloc (09022015). Collection method: clinical testing. Allele origin: germline.
Comment: This sequence change replaces glycine, which is neutral and non-polar, with arginine, which is basic and polar, at codon 1677 of the SPTA1 protein (p.Gly1677Arg). This variant is present in population databases (rs771033064, gnomAD 0.01%). This missense change has been observed in individual(s) with hereditary pyropoikilocytosis and/or spherocytosis (PMID: 29396846, 30275003, 30816434, 34201899, 36964972). In at least one individual the data is consistent with being in trans (on the opposite chromosome) from a pathogenic variant. ClinVar contains an entry for this variant (Variation ID: 561176). Advanced modeling of protein sequence and biophysical properties (such as structural, functional, and spatial information, amino acid conservation, physicochemical variation, residue mobility, and thermodynamic stability) performed at Invitae indicates that this missense variant is not expected to disrupt SPTA1 protein function with a negative predictive value of 80%. Algorithms developed to predict the effect of sequence changes on RNA splicing suggest that this variant may create or strengthen a splice site. In summary, the available evidence is currently insufficient to determine the role of this variant in disease. Therefore, it has been classified as a Variant of Uncertain Significance.

Revvity Omics, Revvity
Classification: Uncertain significance. Last evaluated: 2023-05-02. Review status: criteria provided, single submitter. Criteria: ACMG Guidelines, 2015. Collection method: clinical testing. Allele origin: germline.

Mayo Clinic Laboratories, Mayo Clinic
Classification: Uncertain significance. Last evaluated: 2020-08-21. Review status: criteria provided, single submitter. Criteria: ACMG Guidelines, 2015. Collection method: clinical testing. Allele origin: germline. Observed: 2 variant alleles.

Nalepa Lab, Indiana University School of Medicine
Classification: Uncertain significance for Pyropoikilocytosis, hereditary. Last evaluated: 2018-09-09. Review status: no assertion criteria provided. Collection method: research. Allele origin: not applicable. Not counted in ClinVar's aggregate classification.

Literature cited by the submitters: PubMed 29396846 (cited by Labcorp Genetics (formerly Invitae), Labcorp); PubMed 30275003 (cited by Labcorp Genetics (formerly Invitae), Labcorp); PubMed 30816434 (cited by Labcorp Genetics (formerly Invitae), Labcorp); PubMed 34201899 (cited by Labcorp Genetics (formerly Invitae), Labcorp); PubMed 36964972 (cited by Labcorp Genetics (formerly Invitae), Labcorp).

NM_003126.4(SPTA1):c.5029G>A (p.Gly1677Arg)

Gene: SPTA1 (spectrin alpha, erythrocytic 1; minus strand). Cytogenetic location: 1q23.1.
Variant type: single nucleotide variant.
Coding change: c.5029G>A on transcript NM_003126.4 (MANE Select); coding-DNA position 5029, G replaced by A.
Protein change: p.Gly1677Arg; replaces glycine 1677 with arginine.
Molecular consequence: missense variant.
Genome position (GRCh38, 1-based): chr1:158,638,193, C>T on the plus strand (G>A on the coding strand, the complement: SPTA1 is on the minus strand). VCF-style: chr1-158638193-C-T. GRCh37 (hg19) VCF-style: chr1-158607983-C-T.
Other names: short protein forms G1677R.
Identifiers: ClinVar variation 561176 (VCV000561176.11), dbSNP rs771033064, ClinGen allele CA1182442.